The following is an entry in ClinVar:

ClinVar aggregate classification (germline): Conflicting classifications of pathogenicity. Review status: criteria provided, conflicting classifications (1 of 4 stars). 4 submissions from 4 submitters: Uncertain significance (2); Likely benign (1). 1 of the submissions does not count toward it. Last evaluated 2024-01-24.

Conditions:
Inborn genetic diseases. Identifiers: MedGen C0950123, MeSH D030342.
INTS1-related disorder. Also called: INTS1-related condition.

Allele frequency attached by ClinVar (database versions not stated): gnomAD exomes 0.00003; ExAC 0.00007; ESP Exome Variant Server 0.00016; 1000 Genomes Project 30x 0.00031; gnomAD 0.00031; 1000 Genomes Project 0.00040; TOPMed 0.00043.
gnomAD v4.1: 94 of 1,613,726 alleles (0.0058%); highest among the groups gnomAD compares: Admixed American, 0.078%; 3 homozygotes.

Submissions (4):

Ambry Genetics
Classification: Uncertain significance for Inborn genetic diseases. Last evaluated: 2024-01-24. Review status: criteria provided, single submitter. Criteria: Ambry Variant Classification Scheme 2023. Collection method: clinical testing. Allele origin: germline.

GeneDx
Classification: Uncertain significance. Last evaluated: 2023-10-27. Review status: criteria provided, single submitter. Criteria: GeneDx Variant Classification Process June 2021. Collection method: clinical testing. Allele origin: germline.
Comment: In silico analysis supports that this missense variant has a deleterious effect on protein structure/function; Has not been previously published as pathogenic or benign to our knowledge

CeGaT Center for Human Genetics Tuebingen
Classification: Likely benign. Last evaluated: 2022-11-01. Review status: criteria provided, single submitter. Criteria: CeGaT Center For Human Genetics Tuebingen Variant Classification Criteria Version 2. Collection method: clinical testing. Allele origin: germline. Affected: yes. Observed: 1 variant allele.
Comment: INTS1: BS2

PreventionGenetics, part of Exact Sciences
Classification: Uncertain significance for INTS1-related condition. Last evaluated: 2024-01-23. Review status: no assertion criteria provided. Collection method: clinical testing. Allele origin: germline. Not counted in ClinVar's aggregate classification.
Comment: The INTS1 c.230G>A variant is predicted to result in the amino acid substitution p.Arg77His. To our knowledge, this variant has not been reported in the literature, although an alternate substitution at the same amino acid (p.Arg77Cys) has been reported along with a loss-of-function variant in a pair of siblings who presented with developmental delays, cataracts, and craniofacial anomalies (Krall. 2019. PubMed ID: 30622326). The c.230G>A (p.Arg77His) variant is reported in 0.0089% of alleles in individuals of European (Non-Finnish) descent in gnomAD. At this time, the clinical significance of this variant is uncertain due to the absence of conclusive functional and genetic evidence.

NM_001080453.3(INTS1):c.230G>A (p.Arg77His)

Gene: INTS1 (integrator complex subunit 1; minus strand). Cytogenetic location: 7p22.3.
Variant type: single nucleotide variant.
Coding change: c.230G>A on transcript NM_001080453.3 (MANE Select); coding-DNA position 230, G replaced by A.
Protein change: p.Arg77His; replaces arginine 77 with histidine.
Molecular consequence: missense variant.
Genome position (GRCh38, 1-based): chr7:1,503,020, C>T on the plus strand (G>A on the coding strand, the complement: INTS1 is on the minus strand). VCF-style: chr7-1503020-C-T. GRCh37 (hg19) VCF-style: chr7-1542656-C-T.
Other names: short protein forms R77H.
Identifiers: ClinVar variation 1810469 (VCV001810469.35), dbSNP rs138307850, ClinGen allele CA4120878.